The following is an entry in ClinVar:

ClinVar aggregate classification (germline): Uncertain significance. Review status: criteria provided, multiple submitters, no conflicts (2 of 4 stars). 2 submissions from 2 submitters: Uncertain significance (2). Last evaluated 2020-10-21.

Conditions:
Hereditary cancer-predisposing syndrome. Also called: Tumor predisposition; Hereditary Cancer Syndrome; Hereditary neoplastic syndrome; Neoplastic Syndromes, Hereditary. Identifiers: Orphanet 140162, MedGen C0027672, MeSH D009386, MONDO:0015356.

Submissions (2):

Labcorp Genetics (formerly Invitae), Labcorp
Classification: Uncertain significance for Hereditary cancer-predisposing syndrome. Last evaluated: 2020-10-21. Review status: criteria provided, single submitter. Criteria: Invitae Variant Classification Sherloc (09022015). Collection method: clinical testing. Allele origin: germline.
Comment: In summary, the available evidence is currently insufficient to determine the role of this variant in disease. Therefore, it has been classified as a Variant of Uncertain Significance. Nucleotide substitutions within the consensus splice site are a relatively common cause of aberrant splicing (PMID: 17576681, 9536098). Algorithms developed to predict the effect of sequence changes on RNA splicing suggest that this variant may disrupt the consensus splice site, but this prediction has not been confirmed by published transcriptional studies. This variant has not been reported in the literature in individuals with RAD50-related conditions. ClinVar contains an entry for this variant (Variation ID: 486246). This variant is not present in population databases (ExAC no frequency). This sequence change falls in intron 10 of the RAD50 gene. It does not directly change the encoded amino acid sequence of the RAD50 protein, but it affects a nucleotide within the consensus splice site of the intron.

Ambry Genetics
Classification: Uncertain significance for Hereditary cancer-predisposing syndrome. Last evaluated: 2016-05-27. Review status: criteria provided, single submitter. Criteria: Ambry Variant Classification Scheme 2023. Collection method: clinical testing. Allele origin: germline.
Comment: The c.1635+3A>C intronic variant results from an A to C substitution 3 nucleotides after coding exon 10 in the RAD50 gene. This variant was not reported in population based cohorts in the following databases: Database of Single Nucleotide Polymorphisms (dbSNP), NHLBI Exome Sequencing Project (ESP), and 1000 Genomes Project. In the ESP, this variant was not observed in 6503 samples (13006 alleles) with coverage at this position. To date, this alteration has been detected with an allele frequency of approximately 0.001% (greater than 175000 alleles tested) in our clinical cohort. This nucleotide position is highly conserved in available vertebrate species. Using two different splice site prediction tools, this alteration is predicted by BDGP to abolish the native splice donor site, but is predicted to weaken (but not abolish) the efficiency of the native splice donor site by ESEfinder; however, direct evidence is unavailable. Since supporting evidence is limited at this time, the clinical significance of this alteration remains unclear.

Literature cited by the submitters: PubMed 17576681 (cited by Labcorp Genetics (formerly Invitae), Labcorp); PubMed 9536098 (cited by Labcorp Genetics (formerly Invitae), Labcorp).

NM_005732.4(RAD50):c.1635+3A>C

Gene: RAD50 (RAD50 double strand break repair protein; plus strand). Cytogenetic location: 5q31.1.
Variant type: single nucleotide variant.
Coding change: c.1635+3A>C on transcript NM_005732.4 (MANE Select); 3 bases into the intron after coding-DNA position 1635, A replaced by C.
Molecular consequence: intron variant.
Genome position (GRCh38, 1-based): chr5:132,591,409, A>C. VCF-style: chr5-132591409-A-C. GRCh37 (hg19) VCF-style: chr5-131927101-A-C.
Identifiers: ClinVar variation 486246 (VCV000486246.13), dbSNP rs1554098428, ClinGen allele CA658657509.
Genomic context (GRCh38, chr5:132,591,409, plus strand): 5'-GCAGTTAAACCATCATACAACAACACGTACCCAAATGGAGATGCTGACCAAAGACAAAGT[A>C]TGATTTTTCTTTTTGTTCTAATTATACTGTCTGGTACTTAAAATAGCCTACCTTGCACTC-3'